The following is an entry in ClinVar:

ClinVar aggregate classification (germline): Uncertain significance. Review status: criteria provided, multiple submitters, no conflicts (2 of 4 stars). 3 submissions from 3 submitters: Uncertain significance (3). Last evaluated 2025-12-02.

Conditions:
Cardiovascular phenotype. Identifiers: MedGen CN230736.
Brugada syndrome 8 (BRGDA8). Identifiers: Orphanet 130, MedGen C2751083, MONDO:0013148, OMIM 613123.

Allele frequency attached by ClinVar (database versions not stated): ExAC below 0.00001; gnomAD 0.00001; TOPMed 0.00001; gnomAD exomes 0.00002.
gnomAD v4.1: 27 of 1,567,704 alleles (0.0017%); highest among the groups gnomAD compares: Non-Finnish European, 0.0018%; no homozygotes.

Submissions (3):

Ambry Genetics
Classification: Uncertain significance for Cardiovascular phenotype. Last evaluated: 2025-12-02. Review status: criteria provided, single submitter. Criteria: Ambry Variant Classification Scheme 2023. Collection method: clinical testing. Allele origin: germline.
Comment: The p.G1128S variant (also known as c.3382G>A), located in coding exon 8 of the HCN4 gene, results from a G to A substitution at nucleotide position 3382. The glycine at codon 1128 is replaced by serine, an amino acid with similar properties. This amino acid position is highly conserved on limited sequence alignment. In addition, the in silico prediction for this alteration is inconclusive. Based on the available evidence, the clinical significance of this variant remains unclear.

Labcorp Genetics (formerly Invitae), Labcorp
Classification: Uncertain significance for Brugada syndrome 8. Last evaluated: 2025-08-24. Review status: criteria provided, single submitter. Criteria: Invitae Variant Classification Sherloc (09022015). Collection method: clinical testing. Allele origin: germline.
Comment: This sequence change replaces glycine, which is neutral and non-polar, with serine, which is neutral and polar, at codon 1128 of the HCN4 protein (p.Gly1128Ser). This variant is not present in population databases (gnomAD no frequency). This variant has not been reported in the literature in individuals affected with HCN4-related conditions. ClinVar contains an entry for this variant (Variation ID: 518776). Invitae Evidence Modeling of protein sequence and biophysical properties (such as structural, functional, and spatial information, amino acid conservation, physicochemical variation, residue mobility, and thermodynamic stability) indicates that this missense variant is not expected to disrupt HCN4 protein function with a negative predictive value of 95%. In summary, the available evidence is currently insufficient to determine the role of this variant in disease. Therefore, it has been classified as a Variant of Uncertain Significance.

GeneDx
Classification: Uncertain significance. Last evaluated: 2022-04-11. Review status: criteria provided, single submitter. Criteria: GeneDx Variant Classification Process June 2021. Collection method: clinical testing. Allele origin: germline. Affected: yes.
Comment: Not observed at significant frequency in large population cohorts (gnomAD); In silico analysis supports that this missense variant does not alter protein structure/function; Has not been previously published as pathogenic or benign to our knowledge

NM_005477.3(HCN4):c.3382G>A (p.Gly1128Ser)

Gene: HCN4 (hyperpolarization activated cyclic nucleotide gated potassium channel 4; minus strand). Cytogenetic location: 15q24.1.
Variant type: single nucleotide variant.
Coding change: c.3382G>A on transcript NM_005477.3 (MANE Select); coding-DNA position 3382, G replaced by A.
Protein change: p.Gly1128Ser; replaces glycine 1128 with serine.
Molecular consequence: missense variant.
Genome position (GRCh38, 1-based): chr15:73,322,711, C>T on the plus strand (G>A on the coding strand, the complement: HCN4 is on the minus strand). VCF-style: chr15-73322711-C-T. GRCh37 (hg19) VCF-style: chr15-73615052-C-T.
Other names: short protein forms G1128S.
Identifiers: ClinVar variation 518776 (VCV000518776.19), dbSNP rs779132775, ClinGen allele CA7648838.